The following is an entry in ClinVar:

NM_003737.4(DCHS1):c.8738G>A (p.Ser2913Asn)

Gene: DCHS1 (dachsous cadherin-related 1; minus strand). Cytogenetic location: 11p15.4.
Variant type: single nucleotide variant.
Coding change: c.8738G>A on transcript NM_003737.4 (MANE Select); coding-DNA position 8738, G replaced by A.
Protein change: p.Ser2913Asn; replaces serine 2913 with asparagine.
Molecular consequence: missense variant.
Genome position (GRCh38, 1-based): chr11:6,622,938, C>T on the plus strand (G>A on the coding strand, the complement: DCHS1 is on the minus strand). VCF-style: chr11-6622938-C-T. GRCh37 (hg19) VCF-style: chr11-6644169-C-T.
Other names: short protein forms S2913N.
Identifiers: ClinVar variation 3632684 (VCV003632684.2).
Genomic context (GRCh38, chr11:6,622,938, plus strand): 5'-AGGTCAGGTGCCAGGCCCAGTGCGGTGTGGGTGATATCCACGGTCACAGGCACTGTGGCA[C>T]TCCGGGAACCAGGCAGAGGCCCCCGTGCTATCACCTCCAGCCTCAGCTCCCGTGGTGCTT-3'
Protein context (NP_003728.1, residues 2903-2923): IARGPLPGSR[Ser2913Asn]ATVPVTVDIT

ClinVar aggregate classification (germline): Uncertain significance (1 of 4 stars; one submission).

gnomAD v4.1: 1 of 1,585,890 alleles (0.000063%); highest among the groups gnomAD compares: South Asian, 0.0011%; no homozygotes.

Submission:

Labcorp Genetics (formerly Invitae), Labcorp
Classification: Uncertain significance. Last evaluated: 2025-03-18. Review status: criteria provided, single submitter. Criteria: Invitae Variant Classification Sherloc (09022015). Collection method: clinical testing. Allele origin: germline.
Comment: This sequence change replaces serine, which is neutral and polar, with asparagine, which is neutral and polar, at codon 2913 of the DCHS1 protein (p.Ser2913Asn). This variant is not present in population databases (gnomAD no frequency). This variant has not been reported in the literature in individuals affected with DCHS1-related conditions. Invitae Evidence Modeling of protein sequence and biophysical properties (such as structural, functional, and spatial information, amino acid conservation, physicochemical variation, residue mobility, and thermodynamic stability) indicates that this missense variant is not expected to disrupt DCHS1 protein function with a negative predictive value of 95%. In summary, the available evidence is currently insufficient to determine the role of this variant in disease. Therefore, it has been classified as a Variant of Uncertain Significance.